The following is an entry in ClinVar:

ClinVar aggregate classification (germline): Uncertain significance (1 of 4 stars; one submission).

Conditions:
Brugada syndrome 8 (BRGDA8). Identifiers: Orphanet 130, MedGen C2751083, MONDO:0013148, OMIM 613123.

Allele frequency attached by ClinVar (database versions not stated): TOPMed below 0.00001; gnomAD 0.00001; gnomAD exomes 0.00001; ExAC 0.00008.
gnomAD v4.1: 5 of 1,496,802 alleles (0.00033%); highest among the groups gnomAD compares: Middle Eastern, 0.019%; no homozygotes.

Submission:

Labcorp Genetics (formerly Invitae), Labcorp
Classification: Uncertain significance for Brugada syndrome 8. Last evaluated: 2021-06-11. Review status: criteria provided, single submitter. Criteria: Invitae Variant Classification Sherloc (09022015). Collection method: clinical testing. Allele origin: germline.
Comment: This sequence change replaces proline with leucine at codon 6 of the HCN4 protein (p.Pro6Leu). The proline residue is moderately conserved and there is a moderate physicochemical difference between proline and leucine. While this variant is present in population databases (rs772656493), the frequency information is unreliable, as metrics indicate poor data quality at this position in the ExAC database. This variant has not been reported in the literature in individuals with HCN4-related conditions. Advanced modeling of protein sequence and biophysical properties (such as structural, functional, and spatial information, amino acid conservation, physicochemical variation, residue mobility, and thermodynamic stability) performed at Invitae indicates that this missense variant is not expected to disrupt HCN4 protein function. In summary, the available evidence is currently insufficient to determine the role of this variant in disease. Therefore, it has been classified as a Variant of Uncertain Significance.

NM_005477.3(HCN4):c.17C>T (p.Pro6Leu)

Gene: HCN4 (hyperpolarization activated cyclic nucleotide gated potassium channel 4; minus strand). Cytogenetic location: 15q24.1.
Variant type: single nucleotide variant.
Coding change: c.17C>T on transcript NM_005477.3 (MANE Select); coding-DNA position 17, C replaced by T.
Protein change: p.Pro6Leu; replaces proline 6 with leucine.
Molecular consequence: missense variant.
Genome position (GRCh38, 1-based): chr15:73,368,254, G>A on the plus strand (C>T on the coding strand, the complement: HCN4 is on the minus strand). VCF-style: chr15-73368254-G-A. GRCh37 (hg19) VCF-style: chr15-73660595-G-A.
Other names: short protein forms P6L.
Identifiers: ClinVar variation 1434423 (VCV001434423.8), dbSNP rs772656493, ClinGen allele CA7649512.
Genomic context (GRCh38, chr15:73,368,254, plus strand): 5'-ATGATCCACGCCTTGGCCCCCACCTGCTGCGGGAGGCTGTAGAGCCGCTTGCGCATGGAC[G>A]GCGGCAGCTTGTCCATGGCGCCAGGGGCCGGGGTCGGACCGGGCCGGGGGCAGGAGCGCG-3'
Protein context (NP_005468.1, residues 1-16): MDKLP[Pro6Leu]SMRKRLYSLP